The following is an entry in ClinVar:

ClinVar aggregate classification (germline): Uncertain significance (1 of 4 stars; one submission).

Allele frequency attached by ClinVar (database versions not stated): gnomAD exomes 0.00001.

Submission:

Labcorp Genetics (formerly Invitae), Labcorp
Classification: Uncertain significance. Last evaluated: 2023-08-07. Review status: criteria provided, single submitter. Criteria: Invitae Variant Classification Sherloc (09022015). Collection method: clinical testing. Allele origin: germline.
Comment: This sequence change replaces glycine, which is neutral and non-polar, with aspartic acid, which is acidic and polar, at codon 20 of the MPLKIP protein (p.Gly20Asp). This variant is not present in population databases (gnomAD no frequency). This variant has not been reported in the literature in individuals affected with MPLKIP-related conditions. Experimental studies and prediction algorithms are not available or were not evaluated, and the functional significance of this variant is currently unknown. In summary, the available evidence is currently insufficient to determine the role of this variant in disease. Therefore, it has been classified as a Variant of Uncertain Significance.

NM_138701.4(MPLKIP):c.59G>A (p.Gly20Asp)

Gene: MPLKIP (M-phase specific PLK1 interacting protein; minus strand). Cytogenetic location: 7p14.1.
Variant type: single nucleotide variant.
Coding change: c.59G>A on transcript NM_138701.4 (MANE Select); coding-DNA position 59, G replaced by A.
Protein change: p.Gly20Asp; replaces glycine 20 with aspartic acid.
Molecular consequence: missense variant.
Genome position (GRCh38, 1-based): chr7:40,134,509, C>T on the plus strand (G>A on the coding strand, the complement: MPLKIP is on the minus strand). VCF-style: chr7-40134509-C-T. GRCh37 (hg19) VCF-style: chr7-40174108-C-T.
Other names: short protein forms G20D.
Identifiers: ClinVar variation 2806495 (VCV002806495.3), dbSNP rs1170638271, ClinGen allele CA367308872.